The following is an entry in ClinVar:

NM_001164508.2(NEB):c.24605_24606insCACTCAGC (p.Lys8202fs)

Genes: NEB (nebulin; minus strand), RIF1 (replication timing regulatory factor 1; plus strand). Cytogenetic location: 2q23.3.
Variant type: Insertion.
Coding change: c.24605_24606insCACTCAGC on transcript NM_001164508.2 (MANE Select); coding-DNA positions 24605 to 24606, CACTCAGC inserted.
Protein change: p.Lys8202fs; shifts the reading frame from lysine 8202.
Molecular consequence: frameshift variant.
Genome position: GRCh38 VCF-style: chr2-151493841-T-TGCTGAGTG. GRCh37 (hg19) VCF-style: chr2-152350355-T-TGCTGAGTG.
Other names: c.24605_24606insCACTCAGC, p.Lys8202fs (NM_001164507.2); c.24710_24711insCACTCAGC, p.Lys8237fs (NM_001271208.2); c.19037_19038insCACTCAGC, p.Lys6346fs (NM_004543.5); short protein forms K6346fs, K8202fs, K8237fs.
Identifiers: ClinVar variation 1724561 (VCV001724561.2), dbSNP rs2551732607, ClinGen allele CA2580064123.

ClinVar aggregate classification (germline): Likely pathogenic (1 of 4 stars; one submission).

Conditions:
Nemaline myopathy 2 (NEM2). Also called: Nemaline myopathy 2, autosomal recessive. Identifiers: MedGen C1850569, MONDO:0009725, OMIM 256030.

Submission:

Myriad Genetics, Inc.
Classification: Likely pathogenic for Nemaline myopathy 2. Last evaluated: 2021-11-15. Review status: criteria provided, single submitter. Criteria: Myriad Women's Health Autosomal Recessive and X-Linked Classification Criteria (2021). Collection method: clinical testing. Allele origin: unknown.
Comment: NM_001271208.1(NEB):c.24710_24711ins8(K8237Nfs*17) is expected to be pathogenic in the context of NEB-related nemaline myopathy. This variant is predicted to lead to an abnormal or absent protein product due to the creation of a premature termination codon in NEB, a gene where loss-of-function variants are known to be pathogenic. Please note: this variant was assessed in the context of healthy population screening.